The following is an entry in ClinVar:

NM_006516.4(SLC2A1):c.451dup (p.Ala151fs)

Gene: SLC2A1 (solute carrier family 2 member 1; minus strand). Cytogenetic location: 1p34.2.
Variant type: Duplication.
Coding change: c.451dup on transcript NM_006516.4 (MANE Select); coding-DNA position 451, one base duplicated (G; older notation c.451dupG).
Protein change: p.Ala151fs; shifts the reading frame from alanine 151.
Molecular consequence: frameshift variant.
Genome position (GRCh38, 1-based): chr1:42,930,691, C duplicated on the plus strand (G on the coding strand, the reverse complement: SLC2A1 is on the minus strand). VCF-style (leftmost placement, unchanged base first): chr1-42930690-G-GC. GRCh37 (hg19) VCF-style: chr1-43396361-G-GC.
Other names: short protein forms A151fs.
Identifiers: ClinVar variation 1076091 (VCV001076091.7), dbSNP rs2124450132, ClinGen allele CA2499214723.

ClinVar aggregate classification (germline): Pathogenic (1 of 4 stars; one submission).

Conditions:
GLUT1 deficiency syndrome 1, autosomal recessive. Identifiers: MedGen C3149117.

Submission:

Labcorp Genetics (formerly Invitae), Labcorp
Classification: Pathogenic for GLUT1 deficiency syndrome 1, autosomal recessive. Last evaluated: 2020-03-23. Review status: criteria provided, single submitter. Criteria: Invitae Variant Classification Sherloc (09022015). Collection method: clinical testing. Allele origin: germline.
Comment: This sequence change creates a premature translational stop signal (p.Ala151Glyfs*86) in the SLC2A1 gene. It is expected to result in an absent or disrupted protein product. This variant is not present in population databases (ExAC no frequency). This variant has not been reported in the literature in individuals with SLC2A1-related conditions. Algorithms developed to predict the effect of sequence changes on RNA splicing suggest that this variant may create or strengthen a splice site, but this prediction has not been confirmed by published transcriptional studies. Loss-of-function variants in SLC2A1 are known to be pathogenic (PMID: 21832227, 26193382). For these reasons, this variant has been classified as Pathogenic.

Literature cited by the submitters: PubMed 21832227; PubMed 26193382.